The following is an entry in ClinVar:

NM_000245.4(MET):c.3513T>G (p.Asn1171Lys)

Gene: MET (MET proto-oncogene, receptor tyrosine kinase; plus strand). Cytogenetic location: 7q31.2.
Variant type: single nucleotide variant.
Coding change: c.3513T>G on transcript NM_000245.4 (MANE Select); coding-DNA position 3513, T replaced by G.
Protein change: p.Asn1171Lys; replaces asparagine 1171 with lysine.
Molecular consequence: missense variant.
Genome position (GRCh38, 1-based): chr7:116,778,948, T>G. VCF-style: chr7-116778948-T-G. GRCh37 (hg19) VCF-style: chr7-116419002-T-G.
Other names: c.3567T>G, p.Asn1189Lys (NM_001127500.3); c.2223T>G, p.Asn741Lys (NM_001324402.2); short protein forms N1171K, N741K, N1189K.
Identifiers: ClinVar variation 2093005 (VCV002093005.4), dbSNP rs2117048322, ClinGen allele CA368990356.

ClinVar aggregate classification (germline): Uncertain significance (1 of 4 stars; one submission).

Conditions:
Renal cell carcinoma. Identifiers: Orphanet 217071, MedGen C0007134, MeSH D002292, MONDO:0005086, HP:0005584.

Submission:

Labcorp Genetics (formerly Invitae), Labcorp
Classification: Uncertain significance for Renal cell carcinoma. Last evaluated: 2022-02-05. Review status: criteria provided, single submitter. Criteria: Invitae Variant Classification Sherloc (09022015). Collection method: clinical testing. Allele origin: germline.
Comment: In summary, the available evidence is currently insufficient to determine the role of this variant in disease. Therefore, it has been classified as a Variant of Uncertain Significance. Algorithms developed to predict the effect of missense changes on protein structure and function (SIFT, PolyPhen-2, Align-GVGD) all suggest that this variant is likely to be disruptive. This sequence change replaces asparagine, which is neutral and polar, with lysine, which is basic and polar, at codon 1189 of the MET protein (p.Asn1189Lys). This variant is not present in population databases (gnomAD no frequency). This variant has not been reported in the literature in individuals affected with MET-related conditions.